The following is an entry in ClinVar:

NM_020975.6(RET):c.2995G>A (p.Ala999Thr)

Gene: RET (ret proto-oncogene; plus strand). Cytogenetic location: 10q11.21.
Variant type: single nucleotide variant.
Coding change: c.2995G>A on transcript NM_020975.6 (MANE Select); coding-DNA position 2995, G replaced by A.
Protein change: p.Ala999Thr; replaces alanine 999 with threonine.
Molecular consequence: missense variant.
Genome position (GRCh38, 1-based): chr10:43,124,938, G>A. VCF-style: chr10-43124938-G-A. GRCh37 (hg19) VCF-style: chr10-43620386-G-A.
Other names: c.2995G>A, p.Ala999Thr (NM_000323.2, NM_001406743.1, NM_001406744.1 and 4 more transcripts); c.2233G>A, p.Ala745Thr (NM_001355216.2); c.2866G>A, p.Ala956Thr (NM_001406761.1, NM_001406762.1, NM_001406764.1); c.2860G>A, p.Ala954Thr (NM_001406763.1, NM_001406765.1); c.2707G>A, p.Ala903Thr (NM_001406766.1, NM_001406767.1, NM_001406770.1); c.2731G>A, p.Ala911Thr (NM_001406768.1); c.2599G>A, p.Ala867Thr (NM_001406769.1, NM_001406772.1); c.2557G>A, p.Ala853Thr (NM_001406771.1, NM_001406773.1); and 10 more; short protein forms A999T, A745T, A516T, A655T, A660T, A911T, A956T, A669T.
Identifiers: ClinVar variation 486353 (VCV000486353.15), dbSNP rs1363037947, ClinGen allele CA376558149.

ClinVar aggregate classification (germline): Uncertain significance. Review status: criteria provided, multiple submitters, no conflicts (2 of 4 stars). 2 submissions from 2 submitters: Uncertain significance (2). Last evaluated 2020-02-11.

Conditions:
Hereditary cancer-predisposing syndrome. Also called: Tumor predisposition; Hereditary Cancer Syndrome; Hereditary neoplastic syndrome; Neoplastic Syndromes, Hereditary. Identifiers: Orphanet 140162, MedGen C0027672, MeSH D009386, MONDO:0015356.
Multiple endocrine neoplasia, type 2 (MEN2). Identifiers: Orphanet 653, MedGen C4048306, MONDO:0019003. Disease mechanism: gain of function.

Allele frequency attached by ClinVar (database versions not stated): gnomAD exomes below 0.00001.

Submissions (2):

Labcorp Genetics (formerly Invitae), Labcorp
Classification: Uncertain significance for Multiple endocrine neoplasia, type 2. Last evaluated: 2020-02-11. Review status: criteria provided, single submitter. Criteria: Invitae Variant Classification Sherloc (09022015). Collection method: clinical testing. Allele origin: germline.
Comment: In summary, the available evidence is currently insufficient to determine the role of this variant in disease. Therefore, it has been classified as a Variant of Uncertain Significance. Algorithms developed to predict the effect of missense changes on protein structure and function (SIFT, PolyPhen-2, Align-GVGD) all suggest that this variant is likely to be tolerated, but these predictions have not been confirmed by published functional studies and their clinical significance is uncertain. This variant has not been reported in the literature in individuals with RET-related conditions. ClinVar contains an entry for this variant (Variation ID: 486353). This variant is not present in population databases (ExAC no frequency). This sequence change replaces alanine with threonine at codon 999 of the RET protein (p.Ala999Thr). The alanine residue is moderately conserved and there is a small physicochemical difference between alanine and threonine.

Ambry Genetics
Classification: Uncertain significance for Hereditary cancer-predisposing syndrome. Last evaluated: 2017-05-03. Review status: criteria provided, single submitter. Criteria: Ambry Variant Classification Scheme 2023. Collection method: clinical testing. Allele origin: germline.
Comment: The p.A999T variant (also known as c.2995G>A), located in coding exon 18 of the RET gene, results from a G to A substitution at nucleotide position 2995. The alanine at codon 999 is replaced by threonine, an amino acid with similar properties. This amino acid position is not well conserved in available vertebrate species. In addition, this alteration is predicted to be tolerated by in silico analysis. Since supporting evidence is limited at this time, the clinical significance of this alteration remains unclear.